The following is an entry in ClinVar:

ClinVar aggregate classification (germline): Uncertain significance (1 of 4 stars; one submission).

Conditions:
Cystic fibrosis (CF). Also called: MUCOVISCIDOSIS. Identifiers: Orphanet 586, MedGen C0010674, MONDO:0009061, OMIM 219700. Disease mechanism: loss of function.

Submission:

Ambry Genetics
Classification: Uncertain significance for Cystic fibrosis. Last evaluated: 2025-11-12. Review status: criteria provided, single submitter. Criteria: Ambry Variant Classification Scheme 2023. Collection method: clinical testing. Allele origin: germline.
Comment: The p.S654R variant (also known as c.1960A>C), located in coding exon 14 of the CFTR gene, results from an A to C substitution at nucleotide position 1960. The serine at codon 654 is replaced by arginine, an amino acid with dissimilar properties. This amino acid position is conserved. In addition, the in silico prediction for this alteration is inconclusive. Based on the available evidence, the clinical significance of this variant remains unclear.

NM_000492.4(CFTR):c.1960A>C (p.Ser654Arg)

Gene: CFTR (CF transmembrane conductance regulator; plus strand). Cytogenetic location: 7q31.2.
Variant type: single nucleotide variant.
Coding change: c.1960A>C on transcript NM_000492.4 (MANE Select); coding-DNA position 1960, A replaced by C.
Protein change: p.Ser654Arg; replaces serine 654 with arginine.
Molecular consequence: missense variant.
Genome position (GRCh38, 1-based): chr7:117,592,127, A>C. VCF-style: chr7-117592127-A-C. GRCh37 (hg19) VCF-style: chr7-117232181-A-C.
Other names: short protein forms S654R.
Identifiers: ClinVar variation 4650518 (VCV004650518.1).